The following is an entry in ClinVar:

NM_001385012.1(NBEA):c.6195C>A (p.Phe2065Leu)

Gene: NBEA (neurobeachin; plus strand). Cytogenetic location: 13q13.3.
Variant type: single nucleotide variant.
Coding change: c.6195C>A on transcript NM_001385012.1 (MANE Select); coding-DNA position 6195, C replaced by A.
Protein change: p.Phe2065Leu; replaces phenylalanine 2065 with leucine.
Molecular consequence: missense variant.
Genome position (GRCh38, 1-based): chr13:35,432,284, C>A. VCF-style: chr13-35432284-C-A. GRCh37 (hg19) VCF-style: chr13-36006421-C-A.
Other names: c.6186C>A, p.Phe2062Leu (NM_001379245.1); c.6195C>A, p.Phe2065Leu (NM_015678.5); short protein forms F2065L, F2062L.
Identifiers: ClinVar variation 4994779 (VCV004994779.1).

ClinVar aggregate classification (germline): Uncertain significance (1 of 4 stars; one submission).

Conditions:
NBEA-related disorder. Also called: NBEA-related condition.

Submission:

PreventionGenetics, part of Exact Sciences
Classification: Uncertain significance for NBEA-related condition. Last evaluated: 2026-03-24. Review status: criteria provided, single submitter. Criteria: ACMG Guidelines, 2015. Collection method: clinical testing. Allele origin: germline.
Comment: The NBEA c.6195C>A variant is predicted to result in the amino acid substitution p.Phe2065Leu. To our knowledge, this variant has not been reported in the literature or in a large population database (gnomAD), indicating this variant is rare. At this time, the clinical significance of this variant is uncertain due to the absence of conclusive functional and genetic evidence.